The following is an entry in ClinVar:

NM_000285.4(PEPD):c.17+4A>C

Gene: PEPD (peptidase D; minus strand). Cytogenetic location: 19q13.11.
Variant type: single nucleotide variant.
Coding change: c.17+4A>C on transcript NM_000285.4 (MANE Select); 4 bases into the intron after coding-DNA position 17, A replaced by C.
Molecular consequence: intron variant.
Genome position (GRCh38, 1-based): chr19:33,521,740, T>G on the plus strand (A>C on the coding strand, the complement: PEPD is on the minus strand). VCF-style: chr19-33521740-T-G. GRCh37 (hg19) VCF-style: chr19-34012646-T-G.
Other names: c.17+4A>C (NM_001166057.2, NM_001166056.2).
Identifiers: ClinVar variation 2034703 (VCV002034703.4), dbSNP rs2513537186, ClinGen allele CA2580096786.

ClinVar aggregate classification (germline): Uncertain significance (1 of 4 stars; one submission).

gnomAD v4.1: 1 of 1,579,008 alleles (0.000063%); no homozygotes.

Submission:

Labcorp Genetics (formerly Invitae), Labcorp
Classification: Uncertain significance. Last evaluated: 2024-02-12. Review status: criteria provided, single submitter. Criteria: Invitae Variant Classification Sherloc (09022015). Collection method: clinical testing. Allele origin: germline.
Comment: This sequence change falls in intron 1 of the PEPD gene. It does not directly change the encoded amino acid sequence of the PEPD protein. It affects a nucleotide within the consensus splice site. This variant is not present in population databases (gnomAD no frequency). This variant has not been reported in the literature in individuals affected with PEPD-related conditions. ClinVar contains an entry for this variant (Variation ID: 2034703). Variants that disrupt the consensus splice site are a relatively common cause of aberrant splicing (PMID: 17576681, 9536098). Algorithms developed to predict the effect of sequence changes on RNA splicing suggest that this variant may disrupt the consensus splice site. In summary, the available evidence is currently insufficient to determine the role of this variant in disease. Therefore, it has been classified as a Variant of Uncertain Significance.

Literature cited by the submitters: PubMed 17576681; PubMed 9536098.